The following is an entry in ClinVar:

NM_002055.5(GFAP):c.286G>C (p.Ala96Pro)

Gene: GFAP (glial fibrillary acidic protein; minus strand). Cytogenetic location: 17q21.31.
Variant type: single nucleotide variant.
Coding change: c.286G>C on transcript NM_002055.5 (MANE Select); coding-DNA position 286, G replaced by C.
Protein change: p.Ala96Pro; replaces alanine 96 with proline.
Molecular consequence: missense variant.
Genome position (GRCh38, 1-based): chr17:44,915,201, C>G on the plus strand (G>C on the coding strand, the complement: GFAP is on the minus strand). VCF-style: chr17-44915201-C-G. GRCh37 (hg19) VCF-style: chr17-42992569-C-G.
Other names: c.286G>C, p.Ala96Pro (NM_001131019.3, NM_001242376.3, NM_001363846.2); short protein forms A96P.
Identifiers: ClinVar variation 2119962 (VCV002119962.4), dbSNP rs768288825, ClinGen allele CA399848479.

ClinVar aggregate classification (germline): Uncertain significance (1 of 4 stars; one submission).

Submission:

Labcorp Genetics (formerly Invitae), Labcorp
Classification: Uncertain significance. Last evaluated: 2024-10-15. Review status: criteria provided, single submitter. Criteria: Invitae Variant Classification Sherloc (09022015). Collection method: clinical testing. Allele origin: germline.
Comment: This sequence change replaces alanine, which is neutral and non-polar, with proline, which is neutral and non-polar, at codon 96 of the GFAP protein (p.Ala96Pro). This variant is not present in population databases (gnomAD no frequency). This variant has not been reported in the literature in individuals affected with GFAP-related conditions. ClinVar contains an entry for this variant (Variation ID: 2119962). Invitae Evidence Modeling of protein sequence and biophysical properties (such as structural, functional, and spatial information, amino acid conservation, physicochemical variation, residue mobility, and thermodynamic stability) has been performed for this missense variant. However, the output from this modeling did not meet the statistical confidence thresholds required to predict the impact of this variant on GFAP protein function. In summary, the available evidence is currently insufficient to determine the role of this variant in disease. Therefore, it has been classified as a Variant of Uncertain Significance.